The following is an entry in ClinVar:

NM_002335.4(LRP5):c.4036G>A (p.Gly1346Ser)

Gene: LRP5 (LDL receptor related protein 5; plus strand). Cytogenetic location: 11q13.2.
Variant type: single nucleotide variant.
Coding change: c.4036G>A on transcript NM_002335.4 (MANE Select); coding-DNA position 4036, G replaced by A.
Protein change: p.Gly1346Ser; replaces glycine 1346 with serine.
Molecular consequence: missense variant.
Genome position (GRCh38, 1-based): chr11:68,436,924, G>A. VCF-style: chr11-68436924-G-A. GRCh37 (hg19) VCF-style: chr11-68204392-G-A.
Other names: c.2293G>A, p.Gly765Ser (NM_001291902.2); c.4036G>A (NM_002335.2); short protein forms G1346S, G765S.
Identifiers: ClinVar variation 960075 (VCV000960075.13), dbSNP rs747638441, ClinGen allele CA6150216.

ClinVar aggregate classification (germline): Uncertain significance. Review status: criteria provided, multiple submitters, no conflicts (2 of 4 stars). 3 submissions from 3 submitters: Uncertain significance (3). Last evaluated 2025-02-01.

Conditions:
Inborn genetic diseases. Identifiers: MedGen C0950123, MeSH D030342.
Exudative vitreoretinopathy 4 (EVR4). Identifiers: Orphanet 891, MedGen C1866176, MONDO:0011151, OMIM 601813.
Exudative vitreoretinopathy 1 (EVR1). Also called: CRISWICK-SCHEPENS SYNDROME; FEVR, AUTOSOMAL DOMINANT; Familial exudative vitreoretinopathy, autosomal dominant. Identifiers: Orphanet 891, Orphanet 90050, MedGen C1851402, MONDO:0007589, OMIM 133780.
Osteoporosis. Identifiers: MedGen C0029456, MONDO:0005298, OMIM 166710, HP:0000939.
Osteoporosis with pseudoglioma (OPPG). Also called: osteoporosis-pseudoglioma syndrome. Identifiers: Orphanet 2788, MedGen C0432252, MONDO:0009820, OMIM 259770.
Autosomal dominant osteopetrosis 1 (OPTA1). Also called: OSTEOPETROSIS, AUTOSOMAL DOMINANT, TYPE I. Identifiers: Orphanet 2783, MedGen C1843330, MONDO:0011877, OMIM 607634.
Bone mineral density quantitative trait locus 1 (BMND1). Identifiers: MedGen C1866079, OMIM 601884.
Worth disease. Also called: Autosomal dominant osteosclerosis, Worth type; ENDOSTEAL HYPEROSTOSIS, AUTOSOMAL DOMINANT; OSTEOSCLEROSIS, AUTOSOMAL DOMINANT. Identifiers: Orphanet 2790, MedGen C0432273, MONDO:0007764, OMIM 144750.
Polycystic liver disease 4 with or without kidney cysts. Identifiers: MedGen C4693479, MONDO:0044327, OMIM 617875.

Allele frequency attached by ClinVar (database versions not stated): gnomAD 0.00001; TOPMed 0.00002; ExAC 0.00003; gnomAD exomes 0.00003.
gnomAD v4.1: 33 of 1,613,774 alleles (0.002%); highest among the groups gnomAD compares: Middle Eastern, 0.016%; no homozygotes.

Submissions (3):

Labcorp Genetics (formerly Invitae), Labcorp
Classification: Uncertain significance. Last evaluated: 2025-02-01. Review status: criteria provided, single submitter. Criteria: Invitae Variant Classification Sherloc (09022015). Collection method: clinical testing. Allele origin: germline.
Comment: This sequence change replaces glycine, which is neutral and non-polar, with serine, which is neutral and polar, at codon 1346 of the LRP5 protein (p.Gly1346Ser). This variant is present in population databases (rs747638441, gnomAD 0.006%). This variant has not been reported in the literature in individuals affected with LRP5-related conditions. ClinVar contains an entry for this variant (Variation ID: 960075). Invitae Evidence Modeling of protein sequence and biophysical properties (such as structural, functional, and spatial information, amino acid conservation, physicochemical variation, residue mobility, and thermodynamic stability) has been performed for this missense variant. However, the output from this modeling did not meet the statistical confidence thresholds required to predict the impact of this variant on LRP5 protein function. In summary, the available evidence is currently insufficient to determine the role of this variant in disease. Therefore, it has been classified as a Variant of Uncertain Significance.

Ambry Genetics
Classification: Uncertain significance for Inborn genetic diseases. Last evaluated: 2024-08-10. Review status: criteria provided, single submitter. Criteria: Ambry Variant Classification Scheme 2023. Collection method: clinical testing. Allele origin: germline.

Fulgent Genetics
Classification: Uncertain significance for Exudative vitreoretinopathy 1; Worth disease; Osteoporosis; Osteoporosis with pseudoglioma; Exudative vitreoretinopathy 4; Bone mineral density quantitative trait locus 1; Autosomal dominant osteopetrosis 1; Polycystic liver disease 4 with or without kidney cysts. Last evaluated: 2021-10-23. Review status: criteria provided, single submitter. Criteria: ACMG Guidelines, 2015. Collection method: clinical testing. Allele origin: unknown.